The following is an entry in ClinVar:

ClinVar aggregate classification (germline): Uncertain significance (1 of 4 stars; one submission).

Allele frequency attached by ClinVar (database versions not stated): gnomAD exomes below 0.00001; ExAC 0.00001.
gnomAD v4.1: 2 of 1,612,714 alleles (0.00012%); highest among the groups gnomAD compares: East Asian, 0.0022%; no homozygotes.

Submission:

Labcorp Genetics (formerly Invitae), Labcorp
Classification: Uncertain significance. Last evaluated: 2025-08-06. Review status: criteria provided, single submitter. Criteria: Invitae Variant Classification Sherloc (09022015). Collection method: clinical testing. Allele origin: germline.
Comment: This sequence change replaces aspartic acid, which is acidic and polar, with tyrosine, which is neutral and polar, at codon 800 of the LEMD3 protein (p.Asp800Tyr). This variant is present in population databases (rs745655839, gnomAD 0.006%). This variant has not been reported in the literature in individuals affected with LEMD3-related conditions. ClinVar contains an entry for this variant (Variation ID: 2879778). Invitae Evidence Modeling of protein sequence and biophysical properties (such as structural, functional, and spatial information, amino acid conservation, physicochemical variation, residue mobility, and thermodynamic stability) indicates that this missense variant is expected to disrupt LEMD3 protein function with a positive predictive value of 80%. In summary, the available evidence is currently insufficient to determine the role of this variant in disease. Therefore, it has been classified as a Variant of Uncertain Significance.

NM_014319.5(LEMD3):c.2398G>T (p.Asp800Tyr)

Gene: LEMD3 (LEM domain containing 3; plus strand). Cytogenetic location: 12q14.3.
Variant type: single nucleotide variant.
Coding change: c.2398G>T on transcript NM_014319.5 (MANE Select); coding-DNA position 2398, G replaced by T.
Protein change: p.Asp800Tyr; replaces aspartic acid 800 with tyrosine.
Molecular consequence: missense variant.
Genome position (GRCh38, 1-based): chr12:65,245,679, G>T. VCF-style: chr12-65245679-G-T. GRCh37 (hg19) VCF-style: chr12-65639459-G-T.
Other names: c.2395G>T, p.Asp799Tyr (NM_001167614.2); short protein forms D799Y, D800Y.
Identifiers: ClinVar variation 2879778 (VCV002879778.3), dbSNP rs745655839, ClinGen allele CA6671222.